The following is an entry in ClinVar:

NM_001277115.2(DNAH11):c.1177A>C (p.Asn393His)

Gene: DNAH11 (dynein axonemal heavy chain 11; plus strand). Cytogenetic location: 7p15.3.
Variant type: single nucleotide variant.
Coding change: c.1177A>C on transcript NM_001277115.2 (MANE Select); coding-DNA position 1177, A replaced by C.
Protein change: p.Asn393His; replaces asparagine 393 with histidine.
Molecular consequence: missense variant.
Genome position (GRCh38, 1-based): chr7:21,564,380, A>C. VCF-style: chr7-21564380-A-C. GRCh37 (hg19) VCF-style: chr7-21603998-A-C.
Other names: short protein forms N393H.
Identifiers: ClinVar variation 525385 (VCV000525385.6), dbSNP rs374949958, ClinGen allele CA155056360.

ClinVar aggregate classification (germline): Uncertain significance (1 of 4 stars; one submission).

Conditions:
Primary ciliary dyskinesia. Also called: Ciliary dyskinesia. Identifiers: Orphanet 244, MedGen C0008780, MONDO:0016575, HP:0012265.

Allele frequency attached by ClinVar (database versions not stated): gnomAD 0.00001; TOPMed 0.00002; ESP Exome Variant Server 0.00008.
gnomAD v4.1: 2 of 1,612,362 alleles (0.00012%); highest among the groups gnomAD compares: Non-Finnish European, 0.00017%; no homozygotes.

Submission:

Labcorp Genetics (formerly Invitae), Labcorp
Classification: Uncertain significance for Primary ciliary dyskinesia. Last evaluated: 2021-08-26. Review status: criteria provided, single submitter. Criteria: Invitae Variant Classification Sherloc (09022015). Collection method: clinical testing. Allele origin: germline.
Comment: This sequence change replaces asparagine with histidine at codon 393 of the DNAH11 protein (p.Asn393His). The asparagine residue is moderately conserved and there is a small physicochemical difference between asparagine and histidine. This variant is not present in population databases (ExAC no frequency). This variant has not been reported in the literature in individuals affected with DNAH11-related conditions. Algorithms developed to predict the effect of missense changes on protein structure and function are either unavailable or do not agree on the potential impact of this missense change (SIFT: "Deleterious"; PolyPhen-2: "Probably Damaging"; Align-GVGD: "Class C0"). In summary, the available evidence is currently insufficient to determine the role of this variant in disease. Therefore, it has been classified as a Variant of Uncertain Significance.